The following is an entry in ClinVar:

NM_001378454.1(ALMS1):c.9460A>T (p.Thr3154Ser)

Gene: ALMS1 (ALMS1 centrosome and basal body associated protein; plus strand). Cytogenetic location: 2p13.1.
Variant type: single nucleotide variant.
Coding change: c.9460A>T on transcript NM_001378454.1 (MANE Select); coding-DNA position 9460, A replaced by T.
Protein change: p.Thr3154Ser; replaces threonine 3154 with serine.
Molecular consequence: missense variant.
Genome position (GRCh38, 1-based): chr2:73,491,419, A>T. VCF-style: chr2-73491419-A-T. GRCh37 (hg19) VCF-style: chr2-73718546-A-T.
Other names: c.9463A>T, p.Thr3155Ser (NM_015120.4); short protein forms T3155S, T3154S.
Identifiers: ClinVar variation 434131 (VCV000434131.21), dbSNP rs553507775, ClinGen allele CA1714662.

ClinVar aggregate classification (germline): Conflicting classifications of pathogenicity. Review status: criteria provided, conflicting classifications (1 of 4 stars). 9 submissions from 9 submitters: Uncertain significance (7); Likely benign (1). 1 of the submissions does not count toward it. Last evaluated 2024-10-31.

Conditions:
Alstrom syndrome (ALMS). Identifiers: Orphanet 64, MedGen C0268425, MONDO:0008763, OMIM 203800.
Hearing impairment. Also called: Impaired Hearing. Identifiers: MedGen C1384666, MONDO:0005365, HP:0000365.
Cardiovascular phenotype. Identifiers: MedGen CN230736.

Allele frequency attached by ClinVar (database versions not stated): gnomAD 0.00003 and 0.00007; TOPMed 0.00010; gnomAD exomes 0.00017 and 0.00026; 1000 Genomes Project 0.00020; ExAC 0.00028; 1000 Genomes Project 30x 0.00031.
gnomAD v4.1: 265 of 1,614,092 alleles (0.016%); highest among the groups gnomAD compares: South Asian, 0.12%; no homozygotes.

Submissions (9):

Blueprint Genetics
Classification: Uncertain significance. Last evaluated: 2024-10-31. Review status: criteria provided, single submitter. Criteria: ACMG Guidelines, 2015. Collection method: clinical testing. Allele origin: germline.

GeneDx
Classification: Uncertain significance. Last evaluated: 2023-05-02. Review status: criteria provided, single submitter. Criteria: GeneDx Variant Classification Process June 2021. Collection method: clinical testing. Allele origin: germline. Affected: yes.
Comment: Identified in a cohort of individuals with congenital cardiovascular disease in published literature (Shakeel et al., 2018); In silico analysis supports that this missense variant does not alter protein structure/function; This variant is associated with the following publications: (PMID: 29420653)

Ambry Genetics
Classification: Likely benign for Cardiovascular phenotype. Last evaluated: 2023-03-30. Review status: criteria provided, single submitter. Criteria: Ambry Variant Classification Scheme 2023. Collection method: clinical testing. Allele origin: germline.

Labcorp Genetics (formerly Invitae), Labcorp
Classification: Uncertain significance for Alstrom syndrome. Last evaluated: 2022-10-23. Review status: criteria provided, single submitter. Criteria: Invitae Variant Classification Sherloc (09022015). Collection method: clinical testing. Allele origin: germline.
Comment: This sequence change replaces threonine, which is neutral and polar, with serine, which is neutral and polar, at codon 3155 of the ALMS1 protein (p.Thr3155Ser). This variant is present in population databases (rs553507775, gnomAD 0.1%). This variant has not been reported in the literature in individuals affected with ALMS1-related conditions. ClinVar contains an entry for this variant (Variation ID: 434131). Experimental studies and prediction algorithms are not available or were not evaluated, and the functional significance of this variant is currently unknown. In summary, the available evidence is currently insufficient to determine the role of this variant in disease. Therefore, it has been classified as a Variant of Uncertain Significance.

Department of Otolaryngology – Head & Neck Surgery, Cochlear Implant Center
Classification: Uncertain significance for Hearing impairment. Last evaluated: 2021-04-12. Review status: criteria provided, single submitter. Criteria: ClinGen HL ACMG Specifications v1. Collection method: clinical testing. Allele origin: germline. Affected: yes.
Comment: PM2_Moderate, BP4_Supporting

Baylor Genetics
Classification: Uncertain significance for Alstrom syndrome. Last evaluated: 2018-10-28. Review status: criteria provided, single submitter. Criteria: ACMG Guidelines, 2015. Collection method: clinical testing. Allele origin: paternal. Affected: yes.
Comment: This variant was determined to be of uncertain significance according to ACMG Guidelines, 2015 [PMID:25741868].

Genetic Services Laboratory, University of Chicago
Classification: Uncertain significance. Last evaluated: 2016-10-11. Review status: criteria provided, single submitter. Criteria: ACMG Guidelines, 2015. Collection method: clinical testing. Allele origin: germline. Affected: no.

Breakthrough Genomics
Classification: Uncertain significance. Review status: criteria provided, single submitter. Criteria: ACMG Guidelines, 2015. Collection method: not provided. Allele origin: germline. Inheritance: Autosomal recessive inheritance. Affected: yes.

Natera, Inc.
Classification: Uncertain significance for Alstrom syndrome. Last evaluated: 2021-06-23. Review status: no assertion criteria provided. Collection method: clinical testing. Allele origin: germline. Not counted in ClinVar's aggregate classification.